The following is an entry in ClinVar:

ClinVar aggregate classification (germline): Conflicting classifications of pathogenicity. Review status: criteria provided, conflicting classifications (1 of 4 stars). 2 submissions from 2 submitters: Uncertain significance (1); Likely benign (1). Last evaluated 2025-08-20.

Conditions:
Inborn genetic diseases. Identifiers: MedGen C0950123, MeSH D030342.
Wilms tumor 1 (WT1). Also called: Wilms tumor, somatic. Identifiers: Orphanet 654, MedGen CN033288, MONDO:0008679, OMIM 194070.

Allele frequency attached by ClinVar (database versions not stated): gnomAD exomes below 0.00001; TOPMed 0.00002; gnomAD 0.00004.
gnomAD v4.1: 5 of 1,207,241 alleles (0.00041%); highest among the groups gnomAD compares: African/African-American, 0.007%; no homozygotes.

Submissions (2):

Ambry Genetics
Classification: Likely benign for Inborn genetic diseases. Last evaluated: 2025-08-20. Review status: criteria provided, single submitter. Criteria: Ambry Variant Classification Scheme 2023. Collection method: clinical testing. Allele origin: germline.

Labcorp Genetics (formerly Invitae), Labcorp
Classification: Uncertain significance for Wilms tumor 1. Last evaluated: 2024-04-15. Review status: criteria provided, single submitter. Criteria: Invitae Variant Classification Sherloc (09022015). Collection method: clinical testing. Allele origin: germline.
Comment: This sequence change replaces methionine, which is neutral and non-polar, with threonine, which is neutral and polar, at codon 98 of the GPC3 protein (p.Met98Thr). This variant is present in population databases (no rsID available, gnomAD 0.03%), including at least one homozygous and/or hemizygous individual. This variant has not been reported in the literature in individuals affected with GPC3-related conditions. ClinVar contains an entry for this variant (Variation ID: 1042514). Advanced modeling of protein sequence and biophysical properties (such as structural, functional, and spatial information, amino acid conservation, physicochemical variation, residue mobility, and thermodynamic stability) performed at Invitae indicates that this missense variant is not expected to disrupt GPC3 protein function with a negative predictive value of 80%. In summary, the available evidence is currently insufficient to determine the role of this variant in disease. Therefore, it has been classified as a Variant of Uncertain Significance.

NM_004484.4(GPC3):c.293T>C (p.Met98Thr)

Gene: GPC3 (glypican 3; minus strand). Cytogenetic location: Xq26.2.
Variant type: single nucleotide variant.
Coding change: c.293T>C on transcript NM_004484.4 (MANE Select); coding-DNA position 293, T replaced by C.
Protein change: p.Met98Thr; replaces methionine 98 with threonine.
Molecular consequence: missense variant. On other transcripts: intron variant (2).
Genome position (GRCh38, 1-based): chrX:133,953,094, A>G on the plus strand (T>C on the coding strand, the complement: GPC3 is on the minus strand). VCF-style: chrX-133953094-A-G. GRCh37 (hg19) VCF-style: chrX-133087121-A-G.
Other names: c.293T>C, p.Met98Thr (NM_001164617.2); c.175+32181T>C (NM_001164619.2); c.289+4T>C (NM_001164618.2); c.293T>C (NM_004484.3); short protein forms M98T.
Identifiers: ClinVar variation 1042514 (VCV001042514.10), dbSNP rs1007159317, ClinGen allele CA335995642.